The following is an entry in ClinVar:

ClinVar aggregate classification (germline): Conflicting classifications of pathogenicity. Review status: criteria provided, conflicting classifications (1 of 4 stars). 8 submissions from 8 submitters: Uncertain significance (7); Likely benign (1). Last evaluated 2026-01-12.

Conditions:
Inborn genetic diseases. Identifiers: MedGen C0950123, MeSH D030342.
Methylcobalamin deficiency type cblG (HMAG). Also called: HOMOCYSTINURIA-MEGALOBLASTIC ANEMIA DUE TO DEFECT IN COBALAMIN METABOLISM, cblG COMPLEMENTATION TYPE; Functional methionine synthase deficiency type cblG; HOMOCYSTINURIA-MEGALOBLASTIC ANEMIA, cblG COMPLEMENTATION TYPE; HOMOCYSTINURIA-MEGALOBLASTIC ANEMIA, cblG TYPE. Identifiers: Orphanet 2170, Orphanet 622, MedGen C1855128, MONDO:0009609, OMIM 250940.
Neural tube defects, folate-sensitive (NTDFS). Also called: NTD, FOLATE-SENSITIVE. Identifiers: Orphanet 823, MedGen C1866558, MONDO:0011120, OMIM 601634.
Disorders of Intracellular Cobalamin Metabolism. Identifiers: MedGen CN043592.

Allele frequency attached by ClinVar (database versions not stated): ExAC 0.00054; gnomAD exomes 0.00057 and 0.00130; gnomAD 0.00074 and 0.00081; TOPMed 0.00088; ESP Exome Variant Server 0.00092.
gnomAD v4.1: 2,025 of 1,613,906 alleles (0.13%); highest among the groups gnomAD compares: Non-Finnish European, 0.16%; 2 homozygotes.

Submissions (8):

Labcorp Genetics (formerly Invitae), Labcorp
Classification: Likely benign for Methylcobalamin deficiency type cblG. Last evaluated: 2026-01-12. Review status: criteria provided, single submitter. Criteria: Invitae Variant Classification Sherloc (09022015). Collection method: clinical testing. Allele origin: germline.

Ambry Genetics
Classification: Uncertain significance for Inborn genetic diseases. Last evaluated: 2025-12-04. Review status: criteria provided, single submitter. Criteria: Ambry Variant Classification Scheme 2023. Collection method: clinical testing. Allele origin: germline.
Comment: The c.1862A>G (p.D621G) alteration is located in exon 18 (coding exon 18) of the MTR gene. This alteration results from a A to G substitution at nucleotide position 1862, causing the aspartic acid (D) at amino acid position 621 to be replaced by a glycine (G). Based on data from gnomAD, the G allele has an overall frequency of 0.056% (158/282568) total alleles studied. The highest observed frequency was 0.092% (119/128936) of European (non-Finnish) alleles. Based on insufficient or conflicting evidence, the clinical significance of this alteration remains unclear.

GeneDx
Classification: Uncertain significance. Last evaluated: 2025-08-20. Review status: criteria provided, single submitter. Criteria: GeneDx Variant Classification Process June 2021. Collection method: clinical testing. Allele origin: germline. Affected: yes.
Comment: Reported in the heterozygous state in a patient with atypical moyamoya by whole exome sequencing who also had a de novo variant in the RNF213 gene that may have been responsible for the phenotype (PMID: 26198278); In silico analysis supports that this missense variant has a deleterious effect on protein structure/function; This variant is associated with the following publications: (PMID: 30676783, 26198278)

Mayo Clinic Laboratories, Mayo Clinic
Classification: Uncertain significance. Last evaluated: 2025-04-28. Review status: criteria provided, single submitter. Criteria: ACMG Guidelines, 2015. Collection method: clinical testing. Allele origin: germline. Observed: 3 variant alleles.
Comment: BS1, PP3

Revvity Omics, Revvity
Classification: Uncertain significance for Methylcobalamin deficiency type cblG. Last evaluated: 2024-05-15. Review status: criteria provided, single submitter. Criteria: ACMG Guidelines, 2015. Collection method: clinical testing. Allele origin: germline.

Fulgent Genetics
Classification: Uncertain significance for Methylcobalamin deficiency type cblG; Neural tube defects, folate-sensitive. Last evaluated: 2018-10-31. Review status: criteria provided, single submitter. Criteria: ACMG Guidelines, 2015. Collection method: clinical testing. Allele origin: unknown.

Baylor Genetics
Classification: Uncertain significance for Methylcobalamin deficiency type cblG. Last evaluated: 2018-02-19. Review status: criteria provided, single submitter. Criteria: ACMG Guidelines, 2015. Collection method: clinical testing. Allele origin: paternal. Affected: yes.
Comment: This variant was determined to be of uncertain significance according to ACMG Guidelines, 2015 [PMID:25741868].

Illumina Laboratory Services, Illumina
Classification: Uncertain significance for Disorders of Intracellular Cobalamin Metabolism. Last evaluated: 2017-04-27. Review status: criteria provided, single submitter. Criteria: ICSL Variant Classification Criteria 13 December 2019. Collection method: clinical testing. Allele origin: germline.
Comment: This variant was observed as part of a predisposition screen in an ostensibly healthy population. A literature search was performed for the gene, cDNA change, and amino acid change (where applicable). Publications were found based on this search. However, the evidence from the literature, in combination with allele frequency data from public databases where available, was not sufficient to rule this variant in or out of causing disease. Therefore, this variant is classified as a variant of unknown significance.

Literature cited by the submitters: PubMed 26198278 (cited by Mayo Clinic Laboratories, Mayo Clinic and Illumina Laboratory Services, Illumina); PubMed 30676783 (cited by Mayo Clinic Laboratories, Mayo Clinic).

NM_000254.3(MTR):c.1862A>G (p.Asp621Gly)

Gene: MTR (5-methyltetrahydrofolate-homocysteine methyltransferase; plus strand). Cytogenetic location: 1q43.
Variant type: single nucleotide variant.
Coding change: c.1862A>G on transcript NM_000254.3 (MANE Select); coding-DNA position 1862, A replaced by G.
Protein change: p.Asp621Gly; replaces aspartic acid 621 with glycine.
Molecular consequence: missense variant.
Genome position (GRCh38, 1-based): chr1:236,852,997, A>G. VCF-style: chr1-236852997-A-G. GRCh37 (hg19) VCF-style: chr1-237016297-A-G.
Other names: p.Asp621Gly; c.1862A>G, p.Asp621Gly (NM_001291939.1); c.641A>G, p.Asp214Gly (NM_001291940.2); short protein forms D621G, D214G.
Identifiers: ClinVar variation 579433 (VCV000579433.24), dbSNP rs61736440, ClinGen allele CA1474199.